The following is an entry in ClinVar:

ClinVar aggregate classification (germline): Benign (0 of 4 stars; one submission).

Conditions:
MYO9B-related disorder. Also called: MYO9B-related condition.

Allele frequency attached by ClinVar (database versions not stated): gnomAD exomes 0.00043; ExAC 0.00125; gnomAD 0.00372; TOPMed 0.00448; 1000 Genomes Project 0.00499; ESP Exome Variant Server 0.00516; 1000 Genomes Project 30x 0.00609.
gnomAD v4.1: 1,254 of 1,613,798 alleles (0.078%); highest among the groups gnomAD compares: African/African-American, 1.3%; 7 homozygotes.

Submission:

PreventionGenetics, part of Exact Sciences
Classification: Benign for MYO9B-related condition. Last evaluated: 2020-01-20. Review status: no assertion criteria provided. Collection method: clinical testing. Allele origin: germline.
Comment: This variant is classified as benign based on ACMG/AMP sequence variant interpretation guidelines (Richards et al. 2015 PMID: 25741868, with internal and published modifications).

NM_004145.4(MYO9B):c.1908C>T (p.Phe636=)

Gene: MYO9B (myosin IXB; plus strand). Cytogenetic location: 19p13.11.
Variant type: single nucleotide variant.
Coding change: c.1908C>T on transcript NM_004145.4 (MANE Select); coding-DNA position 1908, C replaced by T.
Protein change: p.Phe636=; no amino-acid change (phenylalanine 636 retained).
Molecular consequence: synonymous variant.
Genome position (GRCh38, 1-based): chr19:17,172,450, C>T. VCF-style: chr19-17172450-C-T. GRCh37 (hg19) VCF-style: chr19-17283260-C-T.
Other names: c.1908C>T, p.Phe636= (NM_001130065.2).
Identifiers: ClinVar variation 3049880 (VCV003049880.2), dbSNP rs142767244, ClinGen allele CA9287375.
Genomic context (GRCh38, chr19:17,172,450, plus strand): 5'-GGACAATAAGTACTTCCTGGGCACCCCGGTCATGGAGCCAGCTTTCATCATCCAGCACTT[C>T]GCAGGGAAGGTGAAATATCAGATCAAGGTAGGTGTCTGCCCATCACCACTGGTGGAAGCC-3'
Protein context (NP_004136.2, residues 626-646): VMEPAFIIQH[Phe636=]AGKVKYQIKD